The following is an entry in ClinVar:

ClinVar aggregate classification (germline): Uncertain significance (1 of 4 stars; one submission).

Submission:

Medical Genetic Center, Changzhi Maternal and Child Health Care Hospital
Classification: Uncertain significance. Last evaluated: 2025-12-10. Review status: criteria provided, single submitter. Criteria: ACMG/ClinGen CNV Guidelines, 2019. Collection method: clinical testing. Allele origin: unknown.
Comment: 1A(0)+3A(0):NLRP12,PRKCG duplication

GRCh38/hg38 19q13.42(chr19:53564179-53937315)x3

Genes: CACNG7 (calcium voltage-gated channel auxiliary subunit gamma 7; plus strand), DPRX (divergent-paired related homeobox; plus strand), MIR1283-1 (microRNA 1283-1; plus strand), MIR1283-2 (microRNA 1283-2; plus strand), MIR1323 (microRNA 1323; plus strand) and 55 more. Cytogenetic location: 19q13.42.
Variant type: copy number gain.
Change: copy number 3 (three copies instead of two) of chr19:53,564,179-53,937,315 (373.1 kb, GRCh38 coordinates, 1-based), cytogenetic band 19q13.42.
Identifiers: ClinVar variation 4796383 (VCV004796383.1).